The following is an entry in ClinVar:

NM_014008.5(CCDC22):c.331G>T (p.Asp111Tyr)

Gene: CCDC22 (CCC complex scaffolding subunit CCDC22; plus strand). Cytogenetic location: Xp11.23.
Variant type: single nucleotide variant.
Coding change: c.331G>T on transcript NM_014008.5 (MANE Select); coding-DNA position 331, G replaced by T.
Protein change: p.Asp111Tyr; replaces aspartic acid 111 with tyrosine.
Molecular consequence: missense variant.
Genome position (GRCh38, 1-based): chrX:49,242,118, G>T. VCF-style: chrX-49242118-G-T. GRCh37 (hg19) VCF-style: chrX-49098584-G-T.
Other names: short protein forms D111Y.
Identifiers: ClinVar variation 4823519 (VCV004823519.4).

ClinVar aggregate classification (germline): Uncertain significance (1 of 4 stars; one submission).

Submission:

CeGaT Center for Human Genetics Tuebingen
Classification: Uncertain significance. Last evaluated: 2026-03-01. Review status: criteria provided, single submitter. Criteria: CeGaT Center For Human Genetics Tuebingen Variant Classification Criteria Version 2. Collection method: clinical testing. Allele origin: germline. Affected: yes. Observed: 1 variant allele.
Comment: CCDC22: PM2